The following is an entry in ClinVar:

ClinVar aggregate classification (germline): Uncertain significance (1 of 4 stars; one submission).

Conditions:
Autosomal recessive congenital ichthyosis 4B (ARCI4B). Also called: Harlequin Fetus; ICHTHYOSIS CONGENITA, HARLEQUIN FETUS TYPE; Ichthyosis, congenital, autosomal recessive 4B (harlequin); HARLEQUIN ICHTHYOSIS. Identifiers: Orphanet 457, MedGen C0598226, MONDO:0009443, OMIM 242500.

Submission:

3billion
Classification: Uncertain significance for Autosomal recessive congenital ichthyosis 4B. Last evaluated: 2025-07-10. Review status: criteria provided, single submitter. Criteria: ACMG Guidelines, 2015. Collection method: clinical testing. Allele origin: germline. Affected: yes.
Comment: The variant is not observed in the gnomAD v4.1.0 dataset. Predicted Consequence/Location: Missense variant. The majority of the known disease-causing variants of this gene are variants expected to result in premature termination of the protein. In silico tool predictions suggest damaging effect of the variant on gene or gene product [REVEL: 0.77 (>=0.6, sensitivity 0.68 and specificity 0.92)]. A different missense change at the same codon (p.Phe2551Ser) has been reported to be associated with ABCA12-related disorder (PMID: 34851365). Therefore, this variant is classified as VUS according to the recommendation of ACMG/AMP guideline.

Literature cited by the submitters: PubMed 34851365.

NM_173076.3(ABCA12):c.7653C>A (p.Phe2551Leu)

Genes: ABCA12 (ATP binding cassette subfamily A member 12; minus strand), SNHG31 (small nucleolar RNA host gene 31; plus strand). Cytogenetic location: 2q35.
Variant type: single nucleotide variant.
Coding change: c.7653C>A on transcript NM_173076.3 (MANE Select); coding-DNA position 7653, C replaced by A.
Protein change: p.Phe2551Leu; replaces phenylalanine 2551 with leucine.
Molecular consequence: missense variant. On other transcripts: non-coding transcript variant (1).
Genome position (GRCh38, 1-based): chr2:214,934,105, G>T on the plus strand (C>A on the coding strand, the complement: ABCA12 is on the minus strand). VCF-style: chr2-214934105-G-T. GRCh37 (hg19) VCF-style: chr2-215798829-G-T.
Other names: c.6699C>A, p.Phe2233Leu (NM_015657.4); short protein forms F2233L, F2551L.
Identifiers: ClinVar variation 4854479 (VCV004854479.1).